The following is an entry in ClinVar:

NM_001606.5(ABCA2):c.5974G>A (p.Gly1992Arg)

Genes: ABCA2 (ATP binding cassette subfamily A member 2; minus strand), LOC126860796 (CDK7 strongly-dependent group 2 enhancer GRCh37_chr9:139904888-139906087; plus strand). Cytogenetic location: 9q34.3.
Variant type: single nucleotide variant.
Coding change: c.5974G>A on transcript NM_001606.5 (MANE Select); coding-DNA position 5974, G replaced by A.
Protein change: p.Gly1992Arg; replaces glycine 1992 with arginine.
Molecular consequence: missense variant.
Genome position (GRCh38, 1-based): chr9:137,011,055, C>T on the plus strand (G>A on the coding strand, the complement: ABCA2 is on the minus strand). VCF-style: chr9-137011055-C-T. GRCh37 (hg19) VCF-style: chr9-139905507-C-T.
Other names: c.5971G>A, p.Gly1991Arg (NM_001411042.1); c.6064G>A, p.Gly2022Arg (NM_212533.3); short protein forms G1991R, G1992R, G2022R.
Identifiers: ClinVar variation 3390595 (VCV003390595.2).
Genomic context (GRCh38, chr9:137,011,055, plus strand): 5'-ACTGGCACATGATGGTCAGGAGGAAGCCCACGACGCCCTCAACCGCCATGGCCACCAGTC[C>T]GCGGGTGACAATGTCCCACTCGAACGGGGACTTCATCTTGTCAAACTGGCCTGCGGGGAG-3'
Protein context (NP_001597.2, residues 1982-2002): SPFEWDIVTR[Gly1992Arg]LVAMAVEGVV

ClinVar aggregate classification (germline): Uncertain significance (1 of 4 stars; one submission).

gnomAD v4.1: 13 of 1,611,948 alleles (0.00081%); highest among the groups gnomAD compares: South Asian, 0.0044%; no homozygotes.

Submission:

GeneDx
Classification: Uncertain significance. Last evaluated: 2026-05-15. Review status: criteria provided, single submitter. Criteria: GeneDx Variant Classification Process June 2021. Collection method: clinical testing. Allele origin: germline.
Comment: In silico analysis suggests that this missense variant does not alter protein structure/function; In silico analysis suggests this variant may impact gene splicing. In the absence of RNA/functional studies, the actual effect of this sequence change is unknown.; This variant is associated with the following publications: (PMID: 35982159, 35982160)